The following is an entry in ClinVar:

NM_004656.4(BAP1):c.910G>A (p.Ala304Thr)

Gene: BAP1 (BRCA1 associated deubiquitinase 1; minus strand). Cytogenetic location: 3p21.1.
Variant type: single nucleotide variant.
Coding change: c.910G>A on transcript NM_004656.4 (MANE Select); coding-DNA position 910, G replaced by A.
Protein change: p.Ala304Thr; replaces alanine 304 with threonine.
Molecular consequence: missense variant.
Genome position (GRCh38, 1-based): chr3:52,405,786, C>T on the plus strand (G>A on the coding strand, the complement: BAP1 is on the minus strand). VCF-style: chr3-52405786-C-T. GRCh37 (hg19) VCF-style: chr3-52439802-C-T.
Other names: c.856G>A, p.Ala286Thr (NM_001410772.1); short protein forms A304T, A286T.
Identifiers: ClinVar variation 3260358 (VCV003260358.1).
Genomic context (GRCh38, chr3:52,405,786, plus strand): 5'-GGCTCTGAGGTCCACAAGAGGTCCCAAACCCCCCAGTACCTGTGTGGTTGCCCTCAGAGG[C>T]TGCAGGGGCCCTGTTTGCTTCCAGCACCAGCGGGGACTTGTTGCTGGCTGACTTGGACTC-3'
Protein context (NP_004647.1, residues 294-314): LVLEANRAPA[Ala304Thr]SEGNHTDGAE

ClinVar aggregate classification (germline): Uncertain significance (1 of 4 stars; one submission).

Conditions:
Hereditary cancer-predisposing syndrome. Also called: Hereditary Cancer Syndrome; Tumor predisposition; Hereditary neoplastic syndrome; Neoplastic Syndromes, Hereditary. Identifiers: Orphanet 140162, MedGen C0027672, MeSH D009386, MONDO:0015356.

gnomAD v4.1: 1 of 1,613,488 alleles (0.000062%); highest among the groups gnomAD compares: Non-Finnish European, 0.000085%; no homozygotes.

Submission:

Ambry Genetics
Classification: Uncertain significance for Hereditary cancer-predisposing syndrome. Last evaluated: 2024-05-05. Review status: criteria provided, single submitter. Criteria: Ambry Variant Classification Scheme 2023. Collection method: clinical testing. Allele origin: germline.
Comment: The p.A304T variant (also known as c.910G>A), located in coding exon 10 of the BAP1 gene, results from a G to A substitution at nucleotide position 910. The alanine at codon 304 is replaced by threonine, an amino acid with similar properties. This amino acid position is conserved. In addition, this alteration is predicted to be tolerated by in silico analysis. Based on the available evidence, the clinical significance of this variant remains unclear.